The following is an entry in ClinVar:

NM_007294.4(BRCA1):c.632G>C (p.Gly211Ala)

Gene: BRCA1 (BRCA1 DNA repair associated; minus strand). Cytogenetic location: 17q21.31.
Variant type: single nucleotide variant.
Coding change: c.632G>C on transcript NM_007294.4 (MANE Select); coding-DNA position 632, G replaced by C.
Protein change: p.Gly211Ala; replaces glycine 211 with alanine.
Molecular consequence: missense variant. On other transcripts: non-coding transcript variant (1).
Genome position (GRCh38, 1-based): chr17:43,095,884, C>G on the plus strand (G>C on the coding strand, the complement: BRCA1 is on the minus strand). VCF-style: chr17-43095884-C-G. GRCh37 (hg19) VCF-style: chr17-41247901-C-G.
Other names: c.422G>C, p.Gly141Ala (NM_001408507.1, NM_001408513.1, NM_001408514.1 and 27 more transcripts); c.251G>C, p.Gly84Ala (NM_001408510.1, NM_001407959.1, NM_001407960.1 and 1 more transcripts); c.491G>C, p.Gly164Ala (NM_007297.4, NM_001407692.1, NM_001407694.1 and 43 more transcripts); c.632G>C, p.Gly211Ala (NM_007298.4, NM_007299.4, NM_007300.4 and 59 more transcripts); c.419G>C, p.Gly140Ala (NM_001408493.1, NM_001407571.1, NM_001407853.1 and 12 more transcripts); c.629G>C, p.Gly210Ala (NM_001407587.1, NM_001407590.1, NM_001407591.1 and 41 more transcripts); c.623G>C, p.Gly208Ala (NM_001407646.1, NM_001407647.1, NM_001408408.1); c.554G>C, p.Gly185Ala (NM_001407653.1, NM_001407654.1, NM_001407655.1 and 9 more transcripts); and 4 more; short protein forms G164A, G211A, G163A, G184A, G84A, G141A, G208A, G210A.
Identifiers: ClinVar variation 1034679 (VCV001034679.10), dbSNP rs2054112741, ClinGen allele CA10600839.

ClinVar aggregate classification (germline): Uncertain significance (1 of 4 stars; one submission).

Conditions:
Hereditary breast ovarian cancer syndrome. Also called: Hereditary breast and ovarian cancer syndrome; Hereditary breast and/or ovarian cancer syndrome; Hereditary breast and ovarian cancer; Hereditary breast and ovarian cancer syndrome (HBOC); Breast and ovarian cancer; BRCA1- and BRCA2-Associated Hereditary Breast and Ovarian Cancer. Identifiers: Orphanet 145, MedGen C0677776, MeSH D061325, MONDO:0003582. Disease mechanism: loss of function.

Submission:

Labcorp Genetics (formerly Invitae), Labcorp
Classification: Uncertain significance for Hereditary breast ovarian cancer syndrome. Last evaluated: 2024-03-25. Review status: criteria provided, single submitter. Criteria: Invitae Variant Classification Sherloc (09022015). Collection method: clinical testing. Allele origin: germline.
Comment: This sequence change replaces glycine, which is neutral and non-polar, with alanine, which is neutral and non-polar, at codon 211 of the BRCA1 protein (p.Gly211Ala). This variant is not present in population databases (gnomAD no frequency). This variant has not been reported in the literature in individuals affected with BRCA1-related conditions. ClinVar contains an entry for this variant (Variation ID: 1034679). Advanced modeling of protein sequence and biophysical properties (such as structural, functional, and spatial information, amino acid conservation, physicochemical variation, residue mobility, and thermodynamic stability) performed at Invitae indicates that this missense variant is not expected to disrupt BRCA1 protein function with a negative predictive value of 95%. In summary, the available evidence is currently insufficient to determine the role of this variant in disease. Therefore, it has been classified as a Variant of Uncertain Significance.